The following is an entry in ClinVar:

ClinVar aggregate classification (germline): Uncertain significance (1 of 4 stars; one submission).

Allele frequency attached by ClinVar (database versions not stated): gnomAD exomes below 0.00001.
gnomAD v4.1: 1 of 1,614,012 alleles (0.000062%); highest among the groups gnomAD compares: East Asian, 0.0022%; no homozygotes.

Submission:

Labcorp Genetics (formerly Invitae), Labcorp
Classification: Uncertain significance. Last evaluated: 2020-08-20. Review status: criteria provided, single submitter. Criteria: Invitae Variant Classification Sherloc (09022015). Collection method: clinical testing. Allele origin: germline.
Comment: This sequence change replaces valine with leucine at codon 234 of the FLVCR1 protein (p.Val234Leu). The valine residue is highly conserved and there is a small physicochemical difference between valine and leucine. This variant is not present in population databases (ExAC no frequency). This variant has not been reported in the literature in individuals with FLVCR1-related conditions. Algorithms developed to predict the effect of missense changes on protein structure and function (SIFT, PolyPhen-2, Align-GVGD) all suggest that this variant is likely to be disruptive, but these predictions have not been confirmed by published functional studies and their clinical significance is uncertain. In summary, the available evidence is currently insufficient to determine the role of this variant in disease. Therefore, it has been classified as a Variant of Uncertain Significance.

NM_014053.4(FLVCR1):c.700G>T (p.Val234Leu)

Gene: FLVCR1 (FLVCR choline and heme transporter 1; plus strand). Cytogenetic location: 1q32.3.
Variant type: single nucleotide variant.
Coding change: c.700G>T on transcript NM_014053.4 (MANE Select); coding-DNA position 700, G replaced by T.
Protein change: p.Val234Leu; replaces valine 234 with leucine.
Molecular consequence: missense variant.
Genome position (GRCh38, 1-based): chr1:212,859,152, G>T. VCF-style: chr1-212859152-G-T. GRCh37 (hg19) VCF-style: chr1-213032494-G-T.
Other names: short protein forms V234L.
Identifiers: ClinVar variation 1055866 (VCV001055866.9), dbSNP rs958844090, ClinGen allele CA36897422.